The following is an entry in ClinVar:

ClinVar aggregate classification (germline): Uncertain significance. Review status: criteria provided, multiple submitters, no conflicts (2 of 4 stars). 4 submissions from 3 submitters: Uncertain significance (4). Last evaluated 2023-11-04.

Conditions:
Retinitis pigmentosa 39 (RP39). Identifiers: Orphanet 791, MedGen C3151138, MONDO:0013436, OMIM 613809.
Usher syndrome type 2A. Also called: RETINAL DISEASE IN USHER SYNDROME TYPE IIA, MODIFIER OF; USHER SYNDROME, TYPE IIA. Identifiers: Orphanet 231178, Orphanet 886, MedGen C1848634, MONDO:0010169, OMIM 276901.

Allele frequency attached by ClinVar (database versions not stated): gnomAD exomes 0.00001 and below 0.00001; TOPMed 0.00003; gnomAD 0.00006.
gnomAD v4.1: 11 of 1,613,842 alleles (0.00068%); highest among the groups gnomAD compares: Admixed American, 0.018%; no homozygotes.

Submissions (4):

Genome-Nilou Lab
Classification: Uncertain significance for Retinitis pigmentosa 39. Last evaluated: 2023-11-04. Review status: criteria provided, single submitter. Criteria: ACMG Guidelines, 2015. Collection method: clinical testing. Allele origin: germline. Affected: no.

Genome-Nilou Lab
Classification: Uncertain significance for Usher syndrome type 2A. Last evaluated: 2023-11-04. Review status: criteria provided, single submitter. Criteria: ACMG Guidelines, 2015. Collection method: clinical testing. Allele origin: germline. Affected: no.

GeneDx
Classification: Uncertain significance. Last evaluated: 2023-05-04. Review status: criteria provided, single submitter. Criteria: GeneDx Variant Classification Process June 2021. Collection method: clinical testing. Allele origin: germline. Affected: yes.
Comment: Not observed at significant frequency in large population cohorts (gnomAD); In silico analysis supports that this missense variant has a deleterious effect on protein structure/function; Has not been previously published as pathogenic or benign to our knowledge

Eurofins Ntd Llc (ga)
Classification: Uncertain significance. Last evaluated: 2018-01-30. Review status: criteria provided, single submitter. Criteria: EGL Classification Definitions 2015. Collection method: clinical testing. Allele origin: germline. Observed: 1 variant allele, 1 heterozygote.

NM_206933.4(USH2A):c.11230A>G (p.Arg3744Gly)

Gene: USH2A (usherin; minus strand). Cytogenetic location: 1q41.
Variant type: single nucleotide variant.
Coding change: c.11230A>G on transcript NM_206933.4 (MANE Select); coding-DNA position 11230, A replaced by G.
Protein change: p.Arg3744Gly; replaces arginine 3744 with glycine.
Molecular consequence: missense variant.
Genome position (GRCh38, 1-based): chr1:215,759,661, T>C on the plus strand (A>G on the coding strand, the complement: USH2A is on the minus strand). VCF-style: chr1-215759661-T-C. GRCh37 (hg19) VCF-style: chr1-215933003-T-C.
Other names: c.11230A>G (NM_206933.2); short protein forms R3744G.
Identifiers: ClinVar variation 595855 (VCV000595855.7), dbSNP rs1426369789, ClinGen allele CA344822374.